The following is an entry in ClinVar:

ClinVar aggregate classification (germline): Uncertain significance (1 of 4 stars; one submission).

Conditions:
Hereditary cancer-predisposing syndrome. Also called: Tumor predisposition; Neoplastic Syndromes, Hereditary; Hereditary neoplastic syndrome; Hereditary Cancer Syndrome. Identifiers: Orphanet 140162, MedGen C0027672, MeSH D009386, MONDO:0015356.

Submission:

Ambry Genetics
Classification: Uncertain significance for Hereditary cancer-predisposing syndrome. Last evaluated: 2025-08-27. Review status: criteria provided, single submitter. Criteria: Ambry Variant Classification Scheme 2023. Collection method: clinical testing. Allele origin: germline.
Comment: The p.K38T variant (also known as c.113A>C), located in coding exon 2 of the MUTYH gene, results from an A to C substitution at nucleotide position 113. The lysine at codon 38 is replaced by threonine, an amino acid with similar properties. This amino acid position is conserved. In addition, this alteration is predicted to be tolerated by in silico analysis. Based on the available evidence, the clinical significance of this variant remains unclear.

NM_001048174.2(MUTYH):c.71A>C (p.Lys24Thr)

Gene: MUTYH (mutY DNA glycosylase; minus strand). Cytogenetic location: 1p34.1.
Variant type: single nucleotide variant.
Coding change: c.71A>C on transcript NM_001048174.2 (MANE Select); coding-DNA position 71, A replaced by C.
Protein change: p.Lys24Thr; replaces lysine 24 with threonine.
Molecular consequence: missense variant. On other transcripts: 5 prime UTR variant (7), non-coding transcript variant (7).
Genome position (GRCh38, 1-based): chr1:45,334,435, T>G on the plus strand (A>C on the coding strand, the complement: MUTYH is on the minus strand). VCF-style: chr1-45334435-T-G. GRCh37 (hg19) VCF-style: chr1-45800107-T-G.
Other names: c.71A>C, p.Lys24Thr (NM_001048171.2, NM_001407070.1, NM_001407071.1 and 15 more transcripts); c.-137A>C (NM_001350651.2, NM_001407082.1); c.113A>C, p.Lys38Thr (NM_001407069.1, NM_001407073.1, NM_012222.3 and 2 more transcripts); c.-86A>C (NM_001407075.1); c.89A>C, p.Lys30Thr (NM_001407087.1); c.-142A>C (NM_001407091.1, NM_001293192.2, NM_001293196.2); c.-201A>C (NM_001350650.2); short protein forms K24T, K38T, K30T.
Identifiers: ClinVar variation 4113047 (VCV004113047.1).